The following is an entry in ClinVar:

ClinVar aggregate classification (germline): Uncertain significance (1 of 4 stars; one submission).

Submission:

Labcorp Genetics (formerly Invitae), Labcorp
Classification: Uncertain significance. Last evaluated: 2024-08-19. Review status: criteria provided, single submitter. Criteria: Invitae Variant Classification Sherloc (09022015). Collection method: clinical testing. Allele origin: germline.
Comment: This sequence change replaces arginine, which is basic and polar, with proline, which is neutral and non-polar, at codon 1731 of the NSD1 protein (p.Arg1731Pro). This variant is not present in population databases (gnomAD no frequency). This variant has not been reported in the literature in individuals affected with NSD1-related conditions. Invitae Evidence Modeling of protein sequence and biophysical properties (such as structural, functional, and spatial information, amino acid conservation, physicochemical variation, residue mobility, and thermodynamic stability) indicates that this missense variant is expected to disrupt NSD1 protein function with a positive predictive value of 95%. In summary, the available evidence is currently insufficient to determine the role of this variant in disease. Therefore, it has been classified as a Variant of Uncertain Significance.

NM_022455.5(NSD1):c.5192G>C (p.Arg1731Pro)

Gene: NSD1 (nuclear receptor binding SET domain protein 1; plus strand). Cytogenetic location: 5q35.3.
Variant type: single nucleotide variant.
Coding change: c.5192G>C on transcript NM_022455.5 (MANE Select); coding-DNA position 5192, G replaced by C.
Protein change: p.Arg1731Pro; replaces arginine 1731 with proline.
Molecular consequence: missense variant.
Genome position (GRCh38, 1-based): chr5:177,267,607, G>C. VCF-style: chr5-177267607-G-C. GRCh37 (hg19) VCF-style: chr5-176694608-G-C.
Other names: c.4319G>C, p.Arg1440Pro (NM_001365684.2, NM_001409308.1, NM_001409309.1 and 1 more transcripts); c.5192G>C, p.Arg1731Pro (NM_001409301.1, NM_001409302.1, NM_001409303.1); c.4772G>C, p.Arg1591Pro (NM_001409304.1); c.4439G>C, p.Arg1480Pro (NM_001409305.1); c.4430G>C, p.Arg1477Pro (NM_001409306.1, NM_001409307.1); short protein forms R1591P, R1731P, R1440P, R1477P, R1480P.
Identifiers: ClinVar variation 3662836 (VCV003662836.2).
Genomic context (GRCh38, chr5:177,267,607, plus strand): 5'-TTTTTATTCCCACAGGAGGCAGCCTTCTGTGCTGTGATTCTTGCCCTGCTGCTTTTCATC[G>C]TGAATGCCTGAACATTGATATCCCTGAAGGAAACTGGTATTGCAATGACTGTAAAGCAGG-3'
Protein context (NP_071900.2, residues 1721-1741): CCDSCPAAFH[Arg1731Pro]ECLNIDIPEG